The following is an entry in ClinVar:

ClinVar aggregate classification (germline): Pathogenic/Likely pathogenic. Review status: criteria provided, multiple submitters, no conflicts (2 of 4 stars). 6 submissions from 6 submitters: Pathogenic (3); Likely pathogenic (2). 1 of the submissions does not count toward it. Last evaluated 2025-01-06.

Conditions:
CC2D2A-related disorder. Also called: CC2D2A-related disorders; CC2D2A-related condition. Identifiers: MedGen CN239313.
Meckel-Gruber syndrome. Also called: Dysencephalia splachnocystica; DYSENCEPHALIA SPLANCHNOCYSTICA; GRUBER SYNDROME. Identifiers: Orphanet 564, MedGen C0265215, MONDO:0018921.
Joubert syndrome. Also called: Familial aplasia of the vermis; JOUBERT-BOLTSHAUSER SYNDROME. Identifiers: Orphanet 475, MedGen C5979921, MONDO:0018772.
Joubert syndrome and related disorders. Identifiers: Orphanet 140874, MedGen C5679612, MONDO:0015369.
Meckel syndrome, type 6. Identifiers: Orphanet 564, MedGen C2676790, MONDO:0012848, OMIM 612284.

Allele frequency attached by ClinVar (database versions not stated): gnomAD exomes 0.00001 and below 0.00001; gnomAD 0.00001; ExAC 0.00002; TOPMed 0.00001.
gnomAD v4.1: 7 of 1,612,388 alleles (0.00043%); highest among the groups gnomAD compares: Middle Eastern, 0.016%; no homozygotes.

Submissions (6):

Labcorp Genetics (formerly Invitae), Labcorp
Classification: Pathogenic for Joubert syndrome; Meckel-Gruber syndrome. Last evaluated: 2025-01-06. Review status: criteria provided, single submitter. Criteria: Invitae Variant Classification Sherloc (09022015). Collection method: clinical testing. Allele origin: germline.
Comment: This sequence change creates a premature translational stop signal (p.Arg925*) in the CC2D2A gene. It is expected to result in an absent or disrupted protein product. Loss-of-function variants in CC2D2A are known to be pathogenic (PMID: 19777577). This variant is present in population databases (rs386833748, gnomAD 0.007%). This premature translational stop signal has been observed in individual(s) with Meckel syndrome (PMID: 19777577). ClinVar contains an entry for this variant (Variation ID: 56300). For these reasons, this variant has been classified as Pathogenic.

Myriad Genetics, Inc.
Classification: Pathogenic for Joubert syndrome and related disorders. Last evaluated: 2024-07-17. Review status: criteria provided, single submitter. Criteria: Myriad Autosomal Dominant, Autosomal Recessive and X-Linked Classification Criteria (2023). Collection method: clinical testing. Allele origin: unknown.
Comment: NM_001080522.2(CC2D2A):c.2773C>T(R925*) is expected to be pathogenic in the context of CC2D2A-related disorders. This variant is predicted to lead to an abnormal or absent protein product due to the creation of a premature termination codon in CC2D2A, a gene where loss-of-function variants are known to be pathogenic. Please note: this variant was assessed in the context of healthy population screening.

GeneDx
Classification: Pathogenic. Last evaluated: 2024-02-26. Review status: criteria provided, single submitter. Criteria: GeneDx Variant Classification Process June 2021. Collection method: clinical testing. Allele origin: germline. Affected: yes.
Comment: Nonsense variant predicted to result in protein truncation or nonsense-mediated decay in a gene for which loss-of-function is a known mechanism of disease; Not observed at significant frequency in large population cohorts (gnomAD); This variant is associated with the following publications: (PMID: 33486889, 25525159, 31964843, 19777577)

Blueprint Genetics
Classification: Likely pathogenic for CC2D2A-related disorders. Last evaluated: 2022-11-03. Review status: criteria provided, single submitter. Criteria: ACMG Guidelines, 2015. Collection method: clinical testing. Allele origin: germline. Affected: yes. Observed: 1 variant allele.

Illumina Laboratory Services, Illumina
Classification: Likely pathogenic for CC2D2A-Related Disorders. Last evaluated: 2018-12-18. Review status: criteria provided, single submitter. Criteria: ICSL Variant Classification Criteria 09 May 2019. Collection method: clinical testing. Allele origin: germline.
Comment: The CC2D2A c.2773C>T (p.Arg925Ter) variant is a stop-gained variant that is predicted to result in a premature termination of the protein. An immunoblot assay in fibroblasts from this homozygous individual revealed severely reduced protein levels. Control data are unavailable for this variant, which is not found in the 1000 Genomes Project, the Exome Sequencing Project, the Exome Aggregation Consortium, or the Genome Aggregation Database. Based on the evidence and due to the potential impact of stop-gained variants, the p.Arg925Ter variant is classified as likely pathogenic CC2D2A-related disorders. This variant was observed by ICSL as part of a predisposition screen in an ostensibly healthy population.

Juha Muilu Group; Institute for Molecular Medicine Finland (FIMM)
Classification: Likely pathogenic for Meckel syndrome, type 6. Review status: no assertion criteria provided. Collection method: not provided. Allele origin: unknown. Not counted in ClinVar's aggregate classification.
Comment: FinDis database variant: This variant was not found or characterized by our laboratory, data were collected from public sources: see reference
ClinVar note: Converted during submission from probable-pathogenic to Likely pathogenic.

Literature cited by the submitters: PubMed 19777577 (cited by Labcorp Genetics (formerly Invitae), Labcorp and Illumina Laboratory Services, Illumina); PubMed 24360807 (cited by Illumina Laboratory Services, Illumina).

NM_001378615.1(CC2D2A):c.2773C>T (p.Arg925Ter)

Genes: CC2D2A (coiled-coil and C2 domain containing 2A; plus strand), FBXL5 (F-box and leucine rich repeat protein 5; minus strand). Cytogenetic location: 4p15.32.
Variant type: single nucleotide variant.
Coding change: c.2773C>T on transcript NM_001378615.1 (MANE Select); coding-DNA position 2773, C replaced by T.
Protein change: p.Arg925Ter; replaces arginine 925 with a stop codon.
Molecular consequence: nonsense.
Genome position (GRCh38, 1-based): chr4:15,557,451, C>T. VCF-style: chr4-15557451-C-T. GRCh37 (hg19) VCF-style: chr4-15559074-C-T.
Other names: c.2773C>T, p.Arg925Ter (NM_001080522.2); c.2626C>T, p.Arg876Ter (NM_001378617.1); short protein forms R925*, R876*.
Identifiers: ClinVar variation 56300 (VCV000056300.17), dbSNP rs386833748, ClinGen allele CA144217.
Genomic context (GRCh38, chr4:15,557,451, plus strand): 5'-TTAAATAGATCCAAACGATTTAGGCTTCTTCATCTTAGAAGCCAAGAGGTGCCAGAATTC[C>T]GAAATTATAAGCAAGTTCCAGTCTATGACCGAGAAATTATGGAAAAGGTATTCCAGGTAA-3'